The following is an entry in ClinVar:

NM_181712.5(KANK4):c.658G>T (p.Ala220Ser)

Gene: KANK4 (KN motif and ankyrin repeat domains 4; minus strand). Cytogenetic location: 1p31.3.
Variant type: single nucleotide variant.
Coding change: c.658G>T on transcript NM_181712.5 (MANE Select); coding-DNA position 658, G replaced by T.
Protein change: p.Ala220Ser; replaces alanine 220 with serine.
Molecular consequence: missense variant. On other transcripts: intron variant (1).
Genome position (GRCh38, 1-based): chr1:62,274,446, C>A on the plus strand (G>T on the coding strand, the complement: KANK4 is on the minus strand). VCF-style: chr1-62274446-C-A. GRCh37 (hg19) VCF-style: chr1-62740118-C-A.
Other names: c.17-2857G>T (NM_001320269.2); short protein forms A220S.
Identifiers: ClinVar variation 4726459 (VCV004726459.1).

ClinVar aggregate classification (germline): Uncertain significance (1 of 4 stars; one submission).

Submission:

Labcorp Genetics (formerly Invitae), Labcorp
Classification: Uncertain significance. Last evaluated: 2025-09-01. Review status: criteria provided, single submitter. Criteria: Invitae Variant Classification Sherloc (09022015). Collection method: clinical testing. Allele origin: germline.
Comment: This sequence change replaces alanine, which is neutral and non-polar, with serine, which is neutral and polar, at codon 220 of the KANK4 protein (p.Ala220Ser). This variant is not present in population databases (gnomAD no frequency). This variant has not been reported in the literature in individuals affected with KANK4-related conditions. An algorithm developed to predict the effect of missense changes on protein structure and function (PolyPhen-2) suggests that this variant is likely to be tolerated. In summary, the available evidence is currently insufficient to determine the role of this variant in disease. Therefore, it has been classified as a Variant of Uncertain Significance.